The following is an entry in ClinVar:

NM_000540.3(RYR1):c.7843C>A (p.Arg2615Ser)

Gene: RYR1 (ryanodine receptor 1; plus strand). Cytogenetic location: 19q13.2.
Variant type: single nucleotide variant.
Coding change: c.7843C>A on transcript NM_000540.3 (MANE Select); coding-DNA position 7843, C replaced by A.
Protein change: p.Arg2615Ser; replaces arginine 2615 with serine.
Molecular consequence: missense variant.
Genome position (GRCh38, 1-based): chr19:38,502,887, C>A. VCF-style: chr19-38502887-C-A. GRCh37 (hg19) VCF-style: chr19-38993527-C-A.
Other names: c.7843C>A, p.Arg2615Ser (NM_001042723.2); short protein forms R2615S.
Identifiers: ClinVar variation 3385458 (VCV003385458.2).

ClinVar aggregate classification (germline): Uncertain significance. Review status: criteria provided, multiple submitters, no conflicts (2 of 4 stars). 2 submissions from 2 submitters: Uncertain significance (2). Last evaluated 2024-08-06.

Conditions:
Malignant hyperthermia, susceptibility to, 1 (MHS1). Also called: Anesthesia related hyperthermia; Malignant hyperpyrexia; Fulminating hyperpyrexia; Pharmacogenic myopathy; Malignant hyperthermia suceptibility 1; RYR1-Related Malignant Hyperthermia Susceptibility. Identifiers: Orphanet 423, MedGen C2930980, MONDO:0007783, OMIM 145600.

gnomAD v4.1: 2 of 1,610,984 alleles (0.00012%); highest among the groups gnomAD compares: Non-Finnish European, 0.00017%; no homozygotes.

Submissions (2):

All of Us Research Program, National Institutes of Health
Classification: Uncertain significance for Malignant hyperthermia, susceptibility to, 1. Last evaluated: 2024-08-06. Review status: criteria provided, single submitter. Criteria: ACMG Guidelines, 2015. Collection method: clinical testing. Allele origin: germline. Inheritance: Autosomal dominant inheritance. Observed: 2 variant alleles, 2 heterozygotes.
Comment: This missense variant replaces arginine with serine at codon 2615 of the RYR1 protein. Computational prediction suggests that this variant may have deleterious impact on protein structure and function (internally defined REVEL score threshold >= 0.7, PMID: 27666373). To our knowledge, functional studies have not been reported for this variant. This variant has not been reported in individuals affected with RYR1-related disorders in the literature. This variant has not been identified in the general population by the Genome Aggregation Database (gnomAD). The available evidence is insufficient to determine the role of this variant in disease conclusively. Therefore, this variant is classified as a Variant of Uncertain Significance.

This study involves interpretation of variants in research participants for the purpose of population health screening. Participant phenotype was not available at the time of variant classification. Additional details can be found in publication PMID: 35346344, PMCID: PMC8962531

Color Diagnostics, LLC DBA Color Health
Classification: Uncertain significance for Malignant hyperthermia, susceptibility to, 1. Last evaluated: 2024-05-28. Review status: criteria provided, single submitter. Criteria: ACMG Guidelines, 2015. Collection method: clinical testing. Allele origin: germline.
Comment: This missense variant replaces arginine with serine at codon 2615 of the RYR1 protein. Computational prediction suggests that this variant may have deleterious impact on protein structure and function. To our knowledge, functional studies have not been reported for this variant. This variant has not been reported in individuals affected with RYR1-related disorders in the literature. This variant has not been identified in the general population by the Genome Aggregation Database (gnomAD). The available evidence is insufficient to determine the role of this variant in disease conclusively. Therefore, this variant is classified as a Variant of Uncertain Significance.